The following is an entry in ClinVar:

NM_002474.3(MYH11):c.346-10_346-9del

Gene: MYH11 (myosin heavy chain 11; minus strand). Cytogenetic location: 16p13.11.
Variant type: Microsatellite.
Coding change: c.346-10_346-9del on transcript NM_002474.3 (MANE Select); 10 bases into the intron before coding-DNA position 346 through 9 bases into the intron before coding-DNA position 346, 2 bases deleted (CT; older notation c.346-10_346-9delCT).
Molecular consequence: intron variant.
Genome position (GRCh38, 1-based): chr16:15,823,420-15,823,421, AG deleted on the plus strand (CT on the coding strand, the reverse complement: MYH11 is on the minus strand); deleting any 2 consecutive bases within chr16:15,823,420-15,823,424 gives the same sequence; the c. name uses the placement nearest the transcript's 3' end. VCF-style (leftmost placement, unchanged base first): chr16-15823419-CAG-C. GRCh37 (hg19) VCF-style: chr16-15917276-CAG-C.
Other names: c.346-10_346-9del (NM_022844.3, NM_001040114.2, NM_001040113.2).
Identifiers: ClinVar variation 1171581 (VCV001171581.2), dbSNP rs2151359938, ClinGen allele CA2580613430.
Genomic context (GRCh38, chr16:15,823,419, plus strand): 5'-ATGGGCAGGTGTTTATAGGGGTTGACCACCACGCAGAAGAGGCCAGAGTACGTCTGCAGA[CAG>C]AGAACCCAGCTTACTTCCAGACCTCCTCCAGGGTAGACAGATTGCACAGAAGCACTCAAT-3'

ClinVar aggregate classification (germline): Uncertain significance (1 of 4 stars; one submission).

Conditions:
Familial thoracic aortic aneurysm and aortic dissection (TAAD). Also called: Thoracic aortic aneurysms and dissections. Identifiers: Orphanet 91387, MedGen C4707243, MONDO:0019625.

Submission:

Color Diagnostics, LLC DBA Color Health
Classification: Uncertain significance for Familial thoracic aortic aneurysm and aortic dissection. Last evaluated: 2020-11-04. Review status: criteria provided, single submitter. Criteria: ACMG Guidelines, 2015. Collection method: clinical testing. Allele origin: germline.
Comment: This variant causes a deletion of two nucleotides in intron 2 of the MYH11 gene. Splice prediction tools are inconclusive regarding the impact of this variant on RNA splicing. To our knowledge, functional studies have not been reported for this variant. This variant has not been reported in individuals affected with cardiovascular disorders in the literature. This variant has not been identified in the general population by the Genome Aggregation Database (gnomAD). The available evidence is insufficient to determine the role of this variant in disease conclusively. Therefore, this variant is classified as a Variant of Uncertain Significance.